The following is an entry in ClinVar:

NM_033026.6(PCLO):c.10751C>A (p.Thr3584Lys)

Gene: PCLO (piccolo presynaptic cytomatrix protein; minus strand). Cytogenetic location: 7q21.11.
Variant type: single nucleotide variant.
Coding change: c.10751C>A on transcript NM_033026.6 (MANE Select); coding-DNA position 10751, C replaced by A.
Protein change: p.Thr3584Lys; replaces threonine 3584 with lysine.
Molecular consequence: missense variant.
Genome position (GRCh38, 1-based): chr7:82,949,837, G>T on the plus strand (C>A on the coding strand, the complement: PCLO is on the minus strand). VCF-style: chr7-82949837-G-T. GRCh37 (hg19) VCF-style: chr7-82579153-G-T.
Other names: c.10751C>A, p.Thr3584Lys (NM_014510.3); short protein forms T3584K.
Identifiers: ClinVar variation 1412775 (VCV001412775.6), dbSNP rs890803060, ClinGen allele CA161141336.

ClinVar aggregate classification (germline): Uncertain significance (1 of 4 stars; one submission).

Allele frequency attached by ClinVar (database versions not stated): gnomAD exomes below 0.00001.
gnomAD v4.1: 1 of 1,613,744 alleles (0.000062%); highest among the groups gnomAD compares: African/African-American, 0.0013%; no homozygotes.

Submission:

Labcorp Genetics (formerly Invitae), Labcorp
Classification: Uncertain significance. Last evaluated: 2024-02-16. Review status: criteria provided, single submitter. Criteria: Invitae Variant Classification Sherloc (09022015). Collection method: clinical testing. Allele origin: germline.
Comment: This sequence change replaces threonine, which is neutral and polar, with lysine, which is basic and polar, at codon 3584 of the PCLO protein (p.Thr3584Lys). This variant is not present in population databases (gnomAD no frequency). This variant has not been reported in the literature in individuals affected with PCLO-related conditions. ClinVar contains an entry for this variant (Variation ID: 1412775). Experimental studies and prediction algorithms are not available or were not evaluated, and the functional significance of this variant is currently unknown. In summary, the available evidence is currently insufficient to determine the role of this variant in disease. Therefore, it has been classified as a Variant of Uncertain Significance.